The following is an entry in ClinVar:

NM_000179.3(MSH6):c.2965_2966insG (p.Asn989fs)

Gene: MSH6 (mutS homolog 6; plus strand). Cytogenetic location: 2p16.3.
Variant type: Insertion.
Coding change: c.2965_2966insG on transcript NM_000179.3 (MANE Select); coding-DNA positions 2965 to 2966, G inserted.
Protein change: p.Asn989fs; shifts the reading frame from asparagine 989.
Molecular consequence: frameshift variant.
Genome position: GRCh38 VCF-style: chr2-47800948-A-AG. GRCh37 (hg19) VCF-style: chr2-48028087-A-AG.
Other names: c.2668_2669insG, p.Asn890Argfs (NM_001406821.1, NM_001406822.1, NM_001406824.1 and 10 more transcripts); c.2059_2060insG, p.Asn687Argfs (NM_001406823.1, NM_001406829.1, NM_001406811.1 and 4 more transcripts); c.2797_2798insG, p.Asn933Argfs (NM_001406826.1); c.910_911insG, p.Asn304Argfs (NM_001407362.1); c.2575_2576insG, p.Asn859fs (NM_001281492.2); c.2059_2060insG, p.Asn687fs (NM_001281493.2, NM_001281494.2); c.3061_3062insG, p.Asn1021Argfs (NM_001406795.1, NM_001406802.1); c.2965_2966insG, p.Asn989Argfs (NM_001406796.1, NM_001406798.1, NM_001406800.1 and 2 more transcripts); and 3 more; short protein forms N859fs, N687fs, N989fs.
Identifiers: ClinVar variation 1798208 (VCV001798208.2), dbSNP rs2530704616, ClinGen allele CA2580068115.
Genomic context (GRCh38, chr2:47,800,948, plus strand): 5'-TATTGGGGGATTGGTAGGAACCGTTACCAGCTGGAAATTCCTGAGAATTTCACCACTCGC[A>AG]ATTTGCCAGAAGAATACGAGTTGAAATCTACCAAGAAGGGCTGTAAACGATACTGGACCA-3'

ClinVar aggregate classification (germline): Pathogenic (1 of 4 stars; one submission).

Conditions:
Hereditary cancer-predisposing syndrome. Also called: Neoplastic Syndromes, Hereditary; Tumor predisposition; Hereditary Cancer Syndrome; Hereditary neoplastic syndrome. Identifiers: Orphanet 140162, MedGen C0027672, MeSH D009386, MONDO:0015356.

Submission:

Ambry Genetics
Classification: Pathogenic for Hereditary cancer-predisposing syndrome. Last evaluated: 2021-01-18. Review status: criteria provided, single submitter. Criteria: Ambry Variant Classification Scheme 2023. Collection method: clinical testing. Allele origin: germline.
Comment: The c.2965_2966insG pathogenic mutation, located in coding exon 4 of the MSH6 gene, results from an insertion of one nucleotide at position 2965, causing a translational frameshift with a predicted alternate stop codon (p.N989Rfs*16). This alteration is expected to result in loss of function by premature protein truncation or nonsense-mediated mRNA decay. As such, this alteration is interpreted as a disease-causing mutation.